The following is an entry in ClinVar:

NM_000275.3(OCA2):c.217A>G (p.Thr73Ala)

Gene: OCA2 (OCA2 melanosomal transmembrane protein; minus strand). Cytogenetic location: 15q13.1.
Variant type: single nucleotide variant.
Coding change: c.217A>G on transcript NM_000275.3 (MANE Select); coding-DNA position 217, A replaced by G.
Protein change: p.Thr73Ala; replaces threonine 73 with alanine.
Molecular consequence: missense variant.
Genome position (GRCh38, 1-based): chr15:28,081,658, T>C on the plus strand (A>G on the coding strand, the complement: OCA2 is on the minus strand). VCF-style: chr15-28081658-T-C. GRCh37 (hg19) VCF-style: chr15-28326804-T-C.
Other names: c.217A>G, p.Thr73Ala (NM_001300984.2); short protein forms T73A.
Identifiers: ClinVar variation 1515787 (VCV001515787.8), dbSNP rs2141895947, ClinGen allele CA391366534.

ClinVar aggregate classification (germline): Uncertain significance (1 of 4 stars; one submission).

Allele frequency attached by ClinVar (database versions not stated): gnomAD exomes below 0.00001.
gnomAD v4.1: 2 of 1,613,650 alleles (0.00012%); highest among the groups gnomAD compares: Non-Finnish European, 0.000085%; no homozygotes.

Submission:

Labcorp Genetics (formerly Invitae), Labcorp
Classification: Uncertain significance. Last evaluated: 2021-03-10. Review status: criteria provided, single submitter. Criteria: Invitae Variant Classification Sherloc (09022015). Collection method: clinical testing. Allele origin: germline.
Comment: In summary, the available evidence is currently insufficient to determine the role of this variant in disease. Therefore, it has been classified as a Variant of Uncertain Significance. Advanced modeling of protein sequence and biophysical properties (such as structural, functional, and spatial information, amino acid conservation, physicochemical variation, residue mobility, and thermodynamic stability) performed at Invitae indicates that this missense variant is not expected to disrupt OCA2 protein function. This variant has not been reported in the literature in individuals with OCA2-related conditions. This variant is not present in population databases (ExAC no frequency). This sequence change replaces threonine with alanine at codon 73 of the OCA2 protein (p.Thr73Ala). The threonine residue is weakly conserved and there is a small physicochemical difference between threonine and alanine.